The following is an entry in ClinVar:

NM_001182.5(ALDH7A1):c.66G>A (p.Trp22Ter)

Gene: ALDH7A1 (aldehyde dehydrogenase 7 family member A1; minus strand). Cytogenetic location: 5q23.2.
Variant type: single nucleotide variant.
Coding change: c.66G>A on transcript NM_001182.5 (MANE Select); coding-DNA position 66, G replaced by A.
Protein change: p.Trp22Ter; replaces tryptophan 22 with a stop codon.
Molecular consequence: nonsense. On other transcripts: 5 prime UTR variant (1).
Genome position (GRCh38, 1-based): chr5:126,595,133, C>T on the plus strand (G>A on the coding strand, the complement: ALDH7A1 is on the minus strand). VCF-style: chr5-126595133-C-T. GRCh37 (hg19) VCF-style: chr5-125930825-C-T.
Other names: c.-19G>A (NM_001201377.2); c.66G>A, p.Trp22Ter (NM_001202404.2); c.66G>A (NM_001182.4); short protein forms W22*.
Identifiers: ClinVar variation 2159306 (VCV002159306.4), dbSNP rs1049217, ClinGen allele CA126927591.

ClinVar aggregate classification (germline): Conflicting classifications of pathogenicity. Review status: criteria provided, conflicting classifications (1 of 4 stars). 2 submissions from 2 submitters: Likely pathogenic (1); Uncertain significance (1). Last evaluated 2025-06-20.

Conditions:
Pyridoxine-dependent epilepsy (EPEO4). Also called: EPILEPSY, EARLY-ONSET, 4, VITAMIN B6-DEPENDENT; Pyridoxine-Dependent Seizures; Pyridoxine-Dependent Epilepsy - ALDH7A1; PYRIDOXINE DEPENDENCY WITH SEIZURES. Identifiers: Orphanet 3006, MedGen C1849508, MONDO:0009945, OMIM 266100. Disease mechanism: loss of function.

gnomAD v4.1: 19 of 1,570,896 alleles (0.0012%); highest among the groups gnomAD compares: Non-Finnish European, 0.0016%; no homozygotes.

Submissions (2):

Labcorp Genetics (formerly Invitae), Labcorp
Classification: Uncertain significance for Pyridoxine-dependent epilepsy. Last evaluated: 2025-06-20. Review status: criteria provided, single submitter. Criteria: Invitae Variant Classification Sherloc (09022015). Collection method: clinical testing. Allele origin: germline.
Comment: This sequence change creates a premature translational stop signal (p.Trp22*) in the ALDH7A1 gene. However, it is currently unclear if variants that occur in this region of the gene cause disease. This variant is present in population databases (no rsID available, gnomAD 0.001%). This variant has not been reported in the literature in individuals affected with ALDH7A1-related conditions. ClinVar contains an entry for this variant (Variation ID: 2159306). In summary, the available evidence is currently insufficient to determine the role of this variant in disease. Therefore, it has been classified as a Variant of Uncertain Significance.

GeneDx
Classification: Likely pathogenic. Last evaluated: 2024-09-03. Review status: criteria provided, single submitter. Criteria: GeneDx Variant Classification Process June 2021. Collection method: clinical testing. Allele origin: germline. Affected: yes.
Comment: Nonsense variant predicted to result in protein truncation or nonsense mediated decay in a gene for which loss of function is a known mechanism of disease; Not observed at significant frequency in large population cohorts (gnomAD); Has not been previously published as pathogenic or benign to our knowledge